The following is an entry in ClinVar:

ClinVar aggregate classification (germline): Uncertain significance (1 of 4 stars; one submission).

Allele frequency attached by ClinVar (database versions not stated): gnomAD exomes below 0.00001; TOPMed below 0.00001; gnomAD 0.00001.
gnomAD v4.1: 2 of 1,613,848 alleles (0.00012%); highest among the groups gnomAD compares: Admixed American, 0.0033%; no homozygotes.

Submission:

Labcorp Genetics (formerly Invitae), Labcorp
Classification: Uncertain significance. Last evaluated: 2022-06-17. Review status: criteria provided, single submitter. Criteria: Invitae Variant Classification Sherloc (09022015). Collection method: clinical testing. Allele origin: germline.
Comment: In summary, the available evidence is currently insufficient to determine the role of this variant in disease. Therefore, it has been classified as a Variant of Uncertain Significance. Algorithms developed to predict the effect of missense changes on protein structure and function are either unavailable or do not agree on the potential impact of this missense change (SIFT: "Deleterious"; PolyPhen-2: "Benign"; Align-GVGD: "Class C65"). This variant has not been reported in the literature in individuals affected with NBAS-related conditions. This variant is present in population databases (no rsID available, gnomAD 0.003%). This sequence change replaces tyrosine, which is neutral and polar, with asparagine, which is neutral and polar, at codon 574 of the NBAS protein (p.Tyr574Asn).

NM_015909.4(NBAS):c.1720T>A (p.Tyr574Asn)

Gene: NBAS (NBAS subunit of NRZ tethering complex; minus strand). Cytogenetic location: 2p24.3.
Variant type: single nucleotide variant.
Coding change: c.1720T>A on transcript NM_015909.4 (MANE Select); coding-DNA position 1720, T replaced by A.
Protein change: p.Tyr574Asn; replaces tyrosine 574 with asparagine.
Molecular consequence: missense variant. On other transcripts: non-coding transcript variant (1).
Genome position (GRCh38, 1-based): chr2:15,473,227, A>T on the plus strand (T>A on the coding strand, the complement: NBAS is on the minus strand). VCF-style: chr2-15473227-A-T. GRCh37 (hg19) VCF-style: chr2-15613351-A-T.
Other names: short protein forms Y574N.
Identifiers: ClinVar variation 1921455 (VCV001921455.5), dbSNP rs1225879842, ClinGen allele CA345885979.